The following is an entry in ClinVar:

NM_003482.4(KMT2D):c.3487G>A (p.Val1163Met)

Genes: KMT2D (lysine methyltransferase 2D; minus strand), LOC126861520 (CDK7 strongly-dependent group 2 enhancer GRCh37_chr12:49442744-49443943; plus strand). Cytogenetic location: 12q13.12.
Variant type: single nucleotide variant.
Coding change: c.3487G>A on transcript NM_003482.4 (MANE Select); coding-DNA position 3487, G replaced by A.
Protein change: p.Val1163Met; replaces valine 1163 with methionine.
Molecular consequence: missense variant.
Genome position (GRCh38, 1-based): chr12:49,050,101, C>T on the plus strand (G>A on the coding strand, the complement: KMT2D is on the minus strand). VCF-style: chr12-49050101-C-T. GRCh37 (hg19) VCF-style: chr12-49443884-C-T.
Other names: short protein forms V1163M.
Identifiers: ClinVar variation 1199236 (VCV001199236.4), dbSNP rs892437631, ClinGen allele CA236617703.

ClinVar aggregate classification (germline): Uncertain significance (1 of 4 stars; one submission).

Conditions:
Kabuki syndrome 1 (KABUK1). Also called: KMT2D-Related Kabuki Syndrome. Identifiers: Orphanet 2322, MedGen CN030661, MONDO:0007843, OMIM 147920.

Allele frequency attached by ClinVar (database versions not stated): gnomAD exomes 0.00001; TOPMed 0.00001.
gnomAD v4.1: 10 of 1,613,566 alleles (0.00062%); highest among the groups gnomAD compares: Non-Finnish European, 0.00085%; no homozygotes.

Submission:

Illumina Laboratory Services, Illumina
Classification: Uncertain significance for Kabuki syndrome 1. Last evaluated: 2021-02-24. Review status: criteria provided, single submitter. Criteria: ICSLVariantClassificationCriteria RUGD 01 April 2020. Collection method: clinical testing. Allele origin: unknown.
Comment: The KMT2D c.3487G>A (p.Val1163Met) variant is a missense variant. A literature search was performed for the gene, cDNA change, and amino acid change. No publications were found based on this search. This variant is not found in the Genome Aggregation Database in a region of good sequence coverage, so the variant is presumed to be rare. Based on the limited evidence, the p.Val1163Met variant is classified as a variant of uncertain significance for Kabuki syndrome.